The following is an entry in ClinVar:

ClinVar aggregate classification (germline): Pathogenic (1 of 4 stars; one submission).

Conditions:
Nemaline myopathy 2 (NEM2). Also called: Nemaline myopathy 2, autosomal recessive. Identifiers: MedGen C1850569, MONDO:0009725, OMIM 256030.

Submission:

Labcorp Genetics (formerly Invitae), Labcorp
Classification: Pathogenic for Nemaline myopathy 2. Last evaluated: 2023-12-06. Review status: criteria provided, single submitter. Criteria: Invitae Variant Classification Sherloc (09022015). Collection method: clinical testing. Allele origin: germline.
Comment: This sequence change creates a premature translational stop signal (p.Tyr6346Profs*4) in the NEB gene. It is expected to result in an absent or disrupted protein product. Loss-of-function variants in NEB are known to be pathogenic (PMID: 25205138). This variant is not present in population databases (gnomAD no frequency). This variant has not been reported in the literature in individuals affected with NEB-related conditions. For these reasons, this variant has been classified as Pathogenic.

Literature cited by the submitters: PubMed 25205138.

NM_001164508.2(NEB):c.19036_19057del (p.Tyr6346fs)

Gene: NEB (nebulin; minus strand). Cytogenetic location: 2q23.3.
Variant type: Deletion.
Coding change: c.19036_19057del on transcript NM_001164508.2 (MANE Select); coding-DNA positions 19036 to 19057, 22 bases deleted (TATAATCTGGTCACAGACACGC).
Protein change: p.Tyr6346fs; shifts the reading frame from tyrosine 6346.
Molecular consequence: frameshift variant.
Genome position (GRCh38, 1-based): chr2:151,561,252-151,561,273, GCGTGTCTGTGACCAGATTATA deleted on the plus strand (TATAATCTGGTCACAGACACGC on the coding strand, the reverse complement: NEB is on the minus strand); deleting any 22 consecutive bases within chr2:151,561,252-151,561,274 gives the same sequence; the c. name uses the placement nearest the transcript's 3' end. VCF-style (leftmost placement, unchanged base first): chr2-151561251-GGCGTGTCTGTGACCAGATTATA-G. GRCh37 (hg19) VCF-style: chr2-152417765-GGCGTGTCTGTGACCAGATTATA-G.
Other names: c.19036_19057del, p.Tyr6346fs (NM_001164507.2, NM_001271208.2); c.13933_13954del, p.Tyr4645fs (NM_004543.5); short protein forms Y4645fs, Y6346fs.
Identifiers: ClinVar variation 2701340 (VCV002701340.3), dbSNP rs2552189471, ClinGen allele CA2697551119.